The following is an entry in ClinVar:

ClinVar aggregate classification (germline): Uncertain significance (1 of 4 stars; one submission).

Submission:

Labcorp Genetics (formerly Invitae), Labcorp
Classification: Uncertain significance. Last evaluated: 2024-01-24. Review status: criteria provided, single submitter. Criteria: Invitae Variant Classification Sherloc (09022015). Collection method: clinical testing. Allele origin: germline.
Comment: This sequence change affects codon 40 of the ARFGEF2 mRNA. It is a 'silent' change, meaning that it does not change the encoded amino acid sequence of the ARFGEF2 protein. It affects a nucleotide within the consensus splice site. This variant is not present in population databases (gnomAD no frequency). This variant has not been reported in the literature in individuals affected with ARFGEF2-related conditions. ClinVar contains an entry for this variant (Variation ID: 2023849). Algorithms developed to predict the effect of sequence changes on RNA splicing suggest that this variant is not likely to affect RNA splicing. In summary, the available evidence is currently insufficient to determine the role of this variant in disease. Therefore, it has been classified as a Variant of Uncertain Significance.

NM_006420.3(ARFGEF2):c.120C>A (p.Leu40=)

Gene: ARFGEF2 (ARF guanine nucleotide exchange factor 2; plus strand). Cytogenetic location: 20q13.13.
Variant type: single nucleotide variant.
Coding change: c.120C>A on transcript NM_006420.3 (MANE Select); coding-DNA position 120, C replaced by A.
Protein change: p.Leu40=; no amino-acid change (leucine 40 retained).
Molecular consequence: synonymous variant.
Genome position (GRCh38, 1-based): chr20:48,922,009, C>A. VCF-style: chr20-48922009-C-A. GRCh37 (hg19) VCF-style: chr20-47538546-C-A.
Other names: c.120C>A, p.Leu40= (NM_001410846.1).
Identifiers: ClinVar variation 2023849 (VCV002023849.4), dbSNP rs1368417576, ClinGen allele CA510793369.